The following is an entry in ClinVar:

NM_001024630.4(RUNX2):c.1554del (p.Trp518fs)

Gene: RUNX2 (RUNX family transcription factor 2; plus strand). Cytogenetic location: 6p21.1.
Variant type: Deletion.
Coding change: c.1554del on transcript NM_001024630.4 (MANE Select); coding-DNA position 1554, one base deleted (G; older notation c.1554delG).
Protein change: p.Trp518fs; shifts the reading frame from tryptophan 518.
Molecular consequence: frameshift variant.
Genome position (GRCh38, 1-based): chr6:45,547,293, G deleted; the last of 2 consecutive G bases (chr6:45,547,292-45,547,293); deleting either gives the same sequence. VCF-style (leftmost placement, unchanged base first): chr6-45547291-TG-T. GRCh37 (hg19) VCF-style: chr6-45515028-TG-T.
Other names: c.1488del, p.Trp496fs (NM_001015051.4); c.1446del, p.Trp482fs (NM_001278478.2); c.1512del, p.Trp504fs (NM_001369405.1); c.1512delG, p.Trp504Cysfs (NM_004348.3); short protein forms W504fs, W518fs, W482fs, W496fs.
Identifiers: ClinVar variation 2098378 (VCV002098378.4), dbSNP rs2481025653, ClinGen allele CA2580074695.
Genomic context (GRCh38, chr6:45,547,291, plus strand): 5'-GGAAGCCACAGCAGTTCCCCAACTGTTTTGAATTCTAGTGGCAGAATGGATGAATCTGTT[TG>T]GCGACCATATTGAAATTCCTCAGCAGTGGCCCAGTGGTATCTGGGGGCCACATCCCACAC-3'

ClinVar aggregate classification (germline): Pathogenic (1 of 4 stars; one submission).

Submission:

Labcorp Genetics (formerly Invitae), Labcorp
Classification: Pathogenic. Last evaluated: 2022-08-08. Review status: criteria provided, single submitter. Criteria: Invitae Variant Classification Sherloc (09022015). Collection method: clinical testing. Allele origin: germline.
Comment: For these reasons, this variant has been classified as Pathogenic. This variant results in an extension of the RUNX2 protein. Other variant(s) that result in a similarly extended protein product (p.Trp518Glyfs*61) have been determined to be pathogenic (PMID: 35235174). This suggests that these extensions are likely to be disease-causing. This frameshift has been observed in individual(s) with cleidocranial dysplasia (PMID: 33538445). This variant is not present in population databases (gnomAD no frequency). This sequence change results in a frameshift in the RUNX2 gene (p.Trp518Cysfs*61). While this is not anticipated to result in nonsense mediated decay, it is expected to disrupt the last 4 amino acid(s) of the RUNX2 protein and extend the protein by 56 additional amino acid residues.

Literature cited by the submitters: PubMed 35235174; PubMed 33538445.